The following is an entry in ClinVar:

NM_145059.3(FCSK):c.1402G>A (p.Val468Ile)

Gene: FCSK (fucose kinase; plus strand). Cytogenetic location: 16q22.1.
Variant type: single nucleotide variant.
Coding change: c.1402G>A on transcript NM_145059.3 (MANE Select); coding-DNA position 1402, G replaced by A.
Protein change: p.Val468Ile; replaces valine 468 with isoleucine.
Molecular consequence: missense variant.
Genome position (GRCh38, 1-based): chr16:70,472,601, G>A. VCF-style: chr16-70472601-G-A. GRCh37 (hg19) VCF-style: chr16-70506504-G-A.
Other names: short protein forms V468I.
Identifiers: ClinVar variation 1682368 (VCV001682368.6), dbSNP rs774866946, ClinGen allele CA8143312.

ClinVar aggregate classification (germline): Uncertain significance (1 of 4 stars; one submission).

Allele frequency attached by ClinVar (database versions not stated): gnomAD 0.00003; TOPMed 0.00007; gnomAD exomes 0.00016; ExAC 0.00021.
gnomAD v4.1: 47 of 1,612,128 alleles (0.0029%); highest among the groups gnomAD compares: Admixed American, 0.075%; no homozygotes.

Submission:

Labcorp Genetics (formerly Invitae), Labcorp
Classification: Uncertain significance. Last evaluated: 2025-12-10. Review status: criteria provided, single submitter. Criteria: Invitae Variant Classification Sherloc (09022015). Collection method: clinical testing. Allele origin: germline.
Comment: This sequence change replaces valine, which is neutral and non-polar, with isoleucine, which is neutral and non-polar, at codon 468 of the FUK protein (p.Val468Ile). This variant is present in population databases (rs774866946, gnomAD 0.1%), and has an allele count higher than expected for a pathogenic variant. This variant has not been reported in the literature in individuals affected with FUK-related conditions. ClinVar contains an entry for this variant (Variation ID: 1682368). An algorithm developed to predict the effect of missense changes on protein structure and function outputs the following: PolyPhen-2: "Benign". The isoleucine amino acid residue is found in multiple mammalian species, which suggests that this missense change does not adversely affect protein function. Algorithms developed to predict the effect of sequence changes on RNA splicing suggest that this variant may create or strengthen a splice site. In summary, the available evidence is currently insufficient to determine the role of this variant in disease. Therefore, it has been classified as a Variant of Uncertain Significance.